The following is an entry in ClinVar:

NM_007192.4(SUPT16H):c.1775C>T (p.Ala592Val)

Gene: SUPT16H (SPT16 homolog, facilitates chromatin remodeling subunit; minus strand). Cytogenetic location: 14q11.2.
Variant type: single nucleotide variant.
Coding change: c.1775C>T on transcript NM_007192.4 (MANE Select); coding-DNA position 1775, C replaced by T.
Protein change: p.Ala592Val; replaces alanine 592 with valine.
Molecular consequence: missense variant.
Genome position (GRCh38, 1-based): chr14:21,362,215, G>A on the plus strand (C>T on the coding strand, the complement: SUPT16H is on the minus strand). VCF-style: chr14-21362215-G-A. GRCh37 (hg19) VCF-style: chr14-21830374-G-A.
Other names: short protein forms A592V.
Identifiers: ClinVar variation 1708473 (VCV001708473.2), dbSNP rs1239184644, ClinGen allele CA388864983.

ClinVar aggregate classification (germline): Uncertain significance (1 of 4 stars; one submission).

Conditions:
Neurodevelopmental disorder with dysmorphic facies and thin corpus callosum. Identifiers: MedGen C5551361, MONDO:0859179, OMIM 619480.

Allele frequency attached by ClinVar (database versions not stated): gnomAD exomes below 0.00001; TOPMed below 0.00001.
gnomAD v4.1: 5 of 1,611,740 alleles (0.00031%); highest among the groups gnomAD compares: Admixed American, 0.0017%; no homozygotes.

Submission:

Institute of Human Genetics, University of Goettingen
Classification: Uncertain significance for Neurodevelopmental disorder with dysmorphic facies and thin corpus callosum. Last evaluated: 2022-05-05. Review status: criteria provided, single submitter. Criteria: ACMG Guidelines, 2015. Collection method: clinical testing. Allele origin: paternal. Inheritance: Autosomal dominant inheritance. Affected: yes. Observed: 1 heterozygote.
Comment: For the following reasons, the SUPT16H sequence variant found is assessed by us as a "variant of uncertain significance" (VUS): 1. A comparison with the gnomAD browser did not provide any evidence that this sequence change is a norm variant that can also be detected in non-affected individuals. The variant is not currently listed in ClinVar or the HGMD database [PM2]; 2. The molecular diagnosis matches part of the clinical symptoms of the patients; 3. The variant is independently classified as deleterious by the majority (16 of 19) of the prediction programs [PP3]; 4. the following ACMG criteria were applied for classification: PM2, PP3.